The following is an entry in ClinVar:

ClinVar aggregate classification (germline): Likely benign. Review status: criteria provided, multiple submitters, no conflicts (2 of 4 stars). 2 submissions from 2 submitters: Likely benign (2). Last evaluated 2026-01-01.

Allele frequency attached by ClinVar (database versions not stated): gnomAD exomes 0.00003; TOPMed 0.00003; ExAC 0.00006; 1000 Genomes Project 0.00020; 1000 Genomes Project 30x 0.00031.
gnomAD v4.1: 39 of 1,556,454 alleles (0.0025%); highest among the groups gnomAD compares: Middle Eastern, 0.051%; no homozygotes.

Submissions (2):

CeGaT Center for Human Genetics Tuebingen
Classification: Likely benign. Last evaluated: 2026-01-01. Review status: criteria provided, single submitter. Criteria: CeGaT Center For Human Genetics Tuebingen Variant Classification Criteria Version 2. Collection method: clinical testing. Allele origin: germline. Affected: yes. Observed: 1 variant allele.
Comment: AHDC1: BP4, BP7

Labcorp Genetics (formerly Invitae), Labcorp
Classification: Likely benign. Last evaluated: 2025-02-06. Review status: criteria provided, single submitter. Criteria: Invitae Variant Classification Sherloc (09022015). Collection method: clinical testing. Allele origin: germline.

NM_001371928.1(AHDC1):c.1080C>T (p.Ala360=)

Gene: AHDC1 (AT-hook DNA binding motif containing 1; minus strand). Cytogenetic location: 1p36.11.
Variant type: single nucleotide variant.
Coding change: c.1080C>T on transcript NM_001371928.1 (MANE Select); coding-DNA position 1080, C replaced by T.
Protein change: p.Ala360=; no amino-acid change (alanine 360 retained).
Molecular consequence: synonymous variant.
Genome position (GRCh38, 1-based): chr1:27,551,036, G>A on the plus strand (C>T on the coding strand, the complement: AHDC1 is on the minus strand). VCF-style: chr1-27551036-G-A. GRCh37 (hg19) VCF-style: chr1-27877547-G-A.
Other names: c.1080C>T, p.Ala360= (NM_001029882.3).
Identifiers: ClinVar variation 2957212 (VCV002957212.7), dbSNP rs555066652, ClinGen allele CA716028.